The following is an entry in ClinVar:

ClinVar aggregate classification (germline): Uncertain significance. Review status: criteria provided, multiple submitters, no conflicts (2 of 4 stars). 3 submissions from 3 submitters: Uncertain significance (2). 1 of the submissions does not count toward it. Last evaluated 2024-03-15.

Conditions:
Abdominal obesity-metabolic syndrome 3 (AOMS3). Also called: CENTRAL OBESITY, TYPE 2 DIABETES, HYPERTENSION, AND EARLY-ONSET CORONARY ARTERY DISEASE. Identifiers: MedGen C4014361, MONDO:0014352, OMIM 615812.
Inborn genetic diseases. Identifiers: MedGen C0950123, MeSH D030342.
DYRK1B-related disorder. Also called: DYRK1B-related condition.

Allele frequency attached by ClinVar (database versions not stated): gnomAD 0.00002; gnomAD exomes 0.00003; TOPMed 0.00004; ExAC 0.00008.

Submissions (3):

Ambry Genetics
Classification: Uncertain significance for Inborn genetic diseases. Last evaluated: 2024-03-15. Review status: criteria provided, single submitter. Criteria: Ambry Variant Classification Scheme 2023. Collection method: clinical testing. Allele origin: germline.

Neuberg Centre For Genomic Medicine, NCGM
Classification: Uncertain significance for Abdominal obesity-metabolic syndrome 3. Review status: criteria provided, single submitter. Criteria: ACMG Guidelines, 2015. Collection method: clinical testing. Allele origin: germline. Inheritance: Autosomal dominant inheritance. Affected: yes.
Comment: The missense variant c.1811C>T(p.Pro604Leu) in DYRK1B gene has not been reported previously as a pathogenic variant nor as a benign variant, to our knowledge. The observed variant has allele frequency of 0.007% in gnomAD exomes database. This variant has not been reported to the ClinVar database. The amino acid change p.Pro604Leu in DYRK1B is predicted as conserved by GERP++ and PhyloP across 100 vertebrates. Multiple lines of computational evidence (Polyphen- benign, SIFT- damaging and MutationTaster- disease causing) predicts a conflicting evidences on protein structure and function for this variant. The amino acid Pro at position 604 is changed to a Leu changing protein sequence and it might alter its composition and physico-chemical properties. For these reasons, this variant has been classified as Uncertain Significance (VUS).

PreventionGenetics, part of Exact Sciences
Classification: Uncertain significance for DYRK1B-related condition. Last evaluated: 2024-08-07. Review status: no assertion criteria provided. Collection method: clinical testing. Allele origin: germline. Not counted in ClinVar's aggregate classification.
Comment: The DYRK1B c.1811C>T variant is predicted to result in the amino acid substitution p.Pro604Leu. To our knowledge, this variant has not been reported in the literature. This variant is reported in 0.047% of alleles in individuals of East Asian descent in gnomAD. Although we suspect that this variant may be benign, at this time, the clinical significance of this variant is uncertain due to the absence of conclusive functional and genetic evidence.

NM_004714.3(DYRK1B):c.1811C>T (p.Pro604Leu)

Gene: DYRK1B (dual specificity tyrosine phosphorylation regulated kinase 1B; minus strand). Cytogenetic location: 19q13.2.
Variant type: single nucleotide variant.
Coding change: c.1811C>T on transcript NM_004714.3 (MANE Select); coding-DNA position 1811, C replaced by T.
Protein change: p.Pro604Leu; replaces proline 604 with leucine.
Molecular consequence: missense variant.
Genome position (GRCh38, 1-based): chr19:39,825,794, G>A on the plus strand (C>T on the coding strand, the complement: DYRK1B is on the minus strand). VCF-style: chr19-39825794-G-A. GRCh37 (hg19) VCF-style: chr19-40316434-G-A.
Other names: c.1691C>T, p.Pro564Leu (NM_006483.3); c.1727C>T, p.Pro576Leu (NM_006484.3); c.1811C>T (NM_004714.1, NM_004714.2); short protein forms P564L, P576L, P604L.
Identifiers: ClinVar variation 3242133 (VCV003242133.3), dbSNP rs773857931.